The following is an entry in ClinVar:

NM_007194.4(CHEK2):c.904G>T (p.Glu302Ter)

Gene: CHEK2 (checkpoint kinase 2; minus strand). Cytogenetic location: 22q12.1.
Variant type: single nucleotide variant.
Coding change: c.904G>T on transcript NM_007194.4 (MANE Select); coding-DNA position 904, G replaced by T.
Protein change: p.Glu302Ter; replaces glutamic acid 302 with a stop codon.
Molecular consequence: nonsense.
Genome position (GRCh38, 1-based): chr22:28,703,509, C>A on the plus strand (G>T on the coding strand, the complement: CHEK2 is on the minus strand). VCF-style: chr22-28703509-C-A. GRCh37 (hg19) VCF-style: chr22-29099497-C-A.
Other names: c.1033G>T, p.Glu345Ter (NM_001005735.3); c.241G>T, p.Glu81Ter (NM_001257387.3); c.703G>T, p.Glu235Ter (NM_001349956.3); c.904G>T, p.Glu302Ter (NM_145862.3); short protein forms E235*, E302*, E345*, E81*.
Identifiers: ClinVar variation 2583565 (VCV002583565.5), dbSNP rs587782460, ClinGen allele CA411100923.

ClinVar aggregate classification (germline): Pathogenic. Review status: criteria provided, multiple submitters, no conflicts (2 of 4 stars). 2 submissions from 2 submitters: Pathogenic (2). Last evaluated 2023-07-14.

Conditions:
Familial cancer of breast. Also called: Hereditary breast cancer; BREAST CANCER, FAMILIAL; hereditary breast carcinoma. Identifiers: Orphanet 227535, MedGen C0346153, MONDO:0016419, OMIM 114480. Disease mechanism: loss of function.

gnomAD v4.1: 1 of 1,450,494 alleles (0.000069%); highest among the groups gnomAD compares: South Asian, 0.0012%; no homozygotes.

Submissions (2):

Labcorp Genetics (formerly Invitae), Labcorp
Classification: Pathogenic for Familial cancer of breast. Last evaluated: 2023-07-14. Review status: criteria provided, single submitter. Criteria: Invitae Variant Classification Sherloc (09022015). Collection method: clinical testing. Allele origin: germline.
Comment: For these reasons, this variant has been classified as Pathogenic. Algorithms developed to predict the effect of sequence changes on RNA splicing suggest that this variant may disrupt the consensus splice site. This variant has not been reported in the literature in individuals affected with CHEK2-related conditions. This variant is not present in population databases (gnomAD no frequency). This sequence change creates a premature translational stop signal (p.Glu302*) in the CHEK2 gene. It is expected to result in an absent or disrupted protein product. Loss-of-function variants in CHEK2 are known to be pathogenic (PMID: 21876083, 24713400).

Myriad Genetics, Inc.
Classification: Pathogenic for Familial cancer of breast. Last evaluated: 2023-06-27. Review status: criteria provided, single submitter. Criteria: Myriad Autosomal Dominant, Autosomal Recessive and X-Linked Classification Criteria (2023). Collection method: clinical testing. Allele origin: unknown.
Comment: This variant is considered pathogenic. This variant creates a termination codon and is predicted to result in premature protein truncation.

Literature cited by the submitters: PubMed 21876083 (cited by Labcorp Genetics (formerly Invitae), Labcorp); PubMed 24713400 (cited by Labcorp Genetics (formerly Invitae), Labcorp).